The following is an entry in ClinVar:

NM_005618.4(DLL1):c.2048+2T>C

Genes: DLL1 (delta like canonical Notch ligand 1; minus strand), LOC126859913 (P300/CBP strongly-dependent group 1 enhancer GRCh37_chr6:170591232-170592431; plus strand). Cytogenetic location: 6q27.
Variant type: single nucleotide variant.
Coding change: c.2048+2T>C on transcript NM_005618.4 (MANE Select); the canonical splice donor site of the intron after coding-DNA position 2048, T replaced by C.
Molecular consequence: splice donor variant.
Genome position (GRCh38, 1-based): chr6:170,283,229, A>G on the plus strand (T>C on the coding strand, the complement: DLL1 is on the minus strand). VCF-style: chr6-170283229-A-G. GRCh37 (hg19) VCF-style: chr6-170592317-A-G.
Identifiers: ClinVar variation 1305879 (VCV001305879.3), dbSNP rs2114957290, ClinGen allele CA366505998.

ClinVar aggregate classification (germline): Pathogenic (1 of 4 stars; one submission).

Submission:

GeneDx
Classification: Pathogenic. Last evaluated: 2025-12-05. Review status: criteria provided, single submitter. Criteria: GeneDx Variant Classification Process June 2021. Collection method: clinical testing. Allele origin: germline. Affected: yes.
Comment: Identified in an individual from a cohort of patients with epilepsy in the published literature (PMID: 36403551); Canonical splice site variant predicted to result in a null allele in a gene for which loss of function is a known mechanism of disease; Not observed at significant frequency in large population cohorts (gnomAD); This variant is associated with the following publications: (PMID: 36403551)